The following is an entry in ClinVar:

NM_033100.4(CDHR1):c.1770A>G (p.Pro590=)

Gene: CDHR1 (cadherin related family member 1; plus strand). Cytogenetic location: 10q23.1.
Variant type: single nucleotide variant.
Coding change: c.1770A>G on transcript NM_033100.4 (MANE Select); coding-DNA position 1770, A replaced by G.
Protein change: p.Pro590=; no amino-acid change (proline 590 retained).
Molecular consequence: synonymous variant.
Genome position (GRCh38, 1-based): chr10:84,212,395, A>G. VCF-style: chr10-84212395-A-G. GRCh37 (hg19) VCF-style: chr10-85972151-A-G.
Other names: c.1770A>G, p.Pro590= (NM_001171971.3).
Identifiers: ClinVar variation 712320 (VCV000712320.9), dbSNP rs758179533, ClinGen allele CA5580039.
Genomic context (GRCh38, chr10:84,212,395, plus strand): 5'-TGACCACCCCCCTCAGTTTGGAAAGAGCGTTCAGAAGAAGACGATGGTGCTAGGGACCCC[A>G]GTGAAAATTGAGGTAAGTTTTGGAGGCAGCTGAGCTCCCCTAAAAGCCTGGGTCCAGCAG-3'
Protein context (NP_149091.1, residues 580-600): VQKKTMVLGT[Pro590=]VKIEAIDEDA

ClinVar aggregate classification (germline): Likely benign. Review status: criteria provided, multiple submitters, no conflicts (2 of 4 stars). 2 submissions from 2 submitters: Likely benign (2). Last evaluated 2024-11-19.

Conditions:
CDHR1-related disorder. Also called: CDHR1-related condition.

Allele frequency attached by ClinVar (database versions not stated): TOPMed below 0.00001; ExAC 0.00001; gnomAD 0.00001; gnomAD exomes 0.00001 and 0.00003.
gnomAD v4.1: 48 of 1,614,048 alleles (0.003%); highest among the groups gnomAD compares: Non-Finnish European, 0.0037%; no homozygotes.

Submissions (2):

PreventionGenetics, part of Exact Sciences
Classification: Likely benign for CDHR1-related condition. Last evaluated: 2024-11-19. Review status: criteria provided, single submitter. Criteria: ACMG Guidelines, 2015. Collection method: clinical testing. Allele origin: germline.
Comment: This variant is classified as likely benign based on ACMG/AMP sequence variant interpretation guidelines (Richards et al. 2015 PMID: 25741868, with internal and published modifications).

Labcorp Genetics (formerly Invitae), Labcorp
Classification: Likely benign. Last evaluated: 2024-08-20. Review status: criteria provided, single submitter. Criteria: Invitae Variant Classification Sherloc (09022015). Collection method: clinical testing. Allele origin: germline.